The following is an entry in ClinVar:

ClinVar aggregate classification (germline): Uncertain significance (1 of 4 stars; one submission).

Allele frequency attached by ClinVar (database versions not stated): ExAC 0.00001; gnomAD 0.00001; gnomAD exomes 0.00001.
gnomAD v4.1: 4 of 1,607,954 alleles (0.00025%); highest among the groups gnomAD compares: Non-Finnish European, 0.00034%; no homozygotes.

Submission:

Labcorp Genetics (formerly Invitae), Labcorp
Classification: Uncertain significance. Last evaluated: 2024-06-21. Review status: criteria provided, single submitter. Criteria: Invitae Variant Classification Sherloc (09022015). Collection method: clinical testing. Allele origin: germline.
Comment: This sequence change replaces arginine, which is basic and polar, with cysteine, which is neutral and slightly polar, at codon 37 of the DIAPH3 protein (p.Arg37Cys). This variant is present in population databases (rs772192013, gnomAD 0.002%). This variant has not been reported in the literature in individuals affected with DIAPH3-related conditions. An algorithm developed to predict the effect of missense changes on protein structure and function (PolyPhen-2) suggests that this variant is likely to be disruptive. In summary, the available evidence is currently insufficient to determine the role of this variant in disease. Therefore, it has been classified as a Variant of Uncertain Significance.

NM_001042517.2(DIAPH3):c.109C>T (p.Arg37Cys)

Gene: DIAPH3 (diaphanous related formin 3; minus strand). Cytogenetic location: 13q21.2.
Variant type: single nucleotide variant.
Coding change: c.109C>T on transcript NM_001042517.2 (MANE Select); coding-DNA position 109, C replaced by T.
Protein change: p.Arg37Cys; replaces arginine 37 with cysteine.
Molecular consequence: missense variant.
Genome position (GRCh38, 1-based): chr13:60,163,658, G>A on the plus strand (C>T on the coding strand, the complement: DIAPH3 is on the minus strand). VCF-style: chr13-60163658-G-A. GRCh37 (hg19) VCF-style: chr13-60737792-G-A.
Other names: c.109C>T, p.Arg37Cys (NM_001258366.2, NM_001258367.2, NM_001258368.2 and 1 more transcripts); short protein forms R37C.
Identifiers: ClinVar variation 2793141 (VCV002793141.3), dbSNP rs772192013, ClinGen allele CA6997114.